The following is an entry in ClinVar:

NM_005506.4(SCARB2):c.1066A>C (p.Met356Leu)

Gene: SCARB2 (scavenger receptor class B member 2; minus strand). Cytogenetic location: 4q21.1.
Variant type: single nucleotide variant.
Coding change: c.1066A>C on transcript NM_005506.4 (MANE Select); coding-DNA position 1066, A replaced by C.
Protein change: p.Met356Leu; replaces methionine 356 with leucine.
Molecular consequence: missense variant.
Genome position (GRCh38, 1-based): chr4:76,169,914, T>G on the plus strand (A>C on the coding strand, the complement: SCARB2 is on the minus strand). VCF-style: chr4-76169914-T-G. GRCh37 (hg19) VCF-style: chr4-77091067-T-G.
Other names: c.637A>C, p.Met213Leu (NM_001204255.2); short protein forms M213L, M356L.
Identifiers: ClinVar variation 1719528 (VCV001719528.5), dbSNP rs1732094004, ClinGen allele CA357314631.

ClinVar aggregate classification (germline): Uncertain significance (1 of 4 stars; one submission).

Conditions:
Progressive myoclonic epilepsy. Also called: Familial progressive myoclonic epilepsy; Myoclonic Epilepsies, Progressive; Progressive myoclonus epilepsy; Myoclonus epilepsy. Identifiers: Orphanet 308, Orphanet 98261, MedGen C0751778, MONDO:0020074.

Submission:

Labcorp Genetics (formerly Invitae), Labcorp
Classification: Uncertain significance for Progressive myoclonic epilepsy. Last evaluated: 2022-07-21. Review status: criteria provided, single submitter. Criteria: Invitae Variant Classification Sherloc (09022015). Collection method: clinical testing. Allele origin: germline.
Comment: This sequence change replaces methionine, which is neutral and non-polar, with leucine, which is neutral and non-polar, at codon 356 of the SCARB2 protein (p.Met356Leu). This variant is not present in population databases (gnomAD no frequency). This variant has not been reported in the literature in individuals affected with SCARB2-related conditions. Algorithms developed to predict the effect of missense changes on protein structure and function output the following: SIFT: "Tolerated"; PolyPhen-2: "Benign"; Align-GVGD: "Class C0". The leucine amino acid residue is found in multiple mammalian species, which suggests that this missense change does not adversely affect protein function. In summary, the available evidence is currently insufficient to determine the role of this variant in disease. Therefore, it has been classified as a Variant of Uncertain Significance.